The following is an entry in ClinVar:

ClinVar aggregate classification (germline): Likely benign. Review status: criteria provided, multiple submitters, no conflicts (2 of 4 stars). 2 submissions from 2 submitters: Likely benign (2). Last evaluated 2024-09-16.

Conditions:
Landau-Kleffner syndrome (FESD). Also called: EPILEPSY, FOCAL, WITH SPEECH DISORDER AND WITH OR WITHOUT MENTAL RETARDATION; APHASIA, ACQUIRED, WITH EPILEPSY. Identifiers: Orphanet 1945, Orphanet 725, Orphanet 98818, MedGen C0282512, MONDO:0009509, OMIM 245570.

Allele frequency attached by ClinVar (database versions not stated): ExAC 0.00003; TOPMed 0.00001; gnomAD exomes 0.00002.
gnomAD v4.1: 8 of 1,607,986 alleles (0.0005%); highest among the groups gnomAD compares: Non-Finnish European, 0.00059%; no homozygotes.

Submissions (2):

Women's Health and Genetics/Laboratory Corporation of America, LabCorp
Classification: Likely benign. Last evaluated: 2024-09-16. Review status: criteria provided, single submitter. Criteria: LabCorp Variant Classification Summary - May 2015. Collection method: clinical testing. Allele origin: germline.
Comment: Variant summary: GRIN2A c.39G>A alters a conserved nucleotide resulting in a synonymous change. Consensus agreement among computation tools predict no significant impact on normal splicing. However, these predictions have yet to be confirmed by functional studies. The variant allele was found at a frequency of 1.7e-05 in 239086 control chromosomes. The available data on variant occurrences in the general population are insufficient to allow any conclusion about variant significance. To our knowledge, no occurrence of c.39G>A in individuals affected with Epilepsy, Focal, With Speech Disorder And With Or Without Mental Retardation and no experimental evidence demonstrating its impact on protein function have been reported. ClinVar contains an entry for this variant (Variation ID: 1486510). Based on the evidence outlined above, the variant was classified as likely benign.

Labcorp Genetics (formerly Invitae), Labcorp
Classification: Likely benign for Landau-Kleffner syndrome. Last evaluated: 2024-05-27. Review status: criteria provided, single submitter. Criteria: Invitae Variant Classification Sherloc (09022015). Collection method: clinical testing. Allele origin: germline.

NM_001134407.3(GRIN2A):c.39G>A (p.Pro13=)

Gene: GRIN2A (glutamate ionotropic receptor NMDA type subunit 2A; minus strand). Cytogenetic location: 16p13.2.
Variant type: single nucleotide variant.
Coding change: c.39G>A on transcript NM_001134407.3 (MANE Select); coding-DNA position 39, G replaced by A.
Protein change: p.Pro13=; no amino-acid change (proline 13 retained).
Molecular consequence: synonymous variant.
Genome position (GRCh38, 1-based): chr16:10,180,373, C>T on the plus strand (G>A on the coding strand, the complement: GRIN2A is on the minus strand). VCF-style: chr16-10180373-C-T. GRCh37 (hg19) VCF-style: chr16-10274230-C-T.
Other names: c.39G>A, p.Pro13= (NM_000833.5, NM_001134408.2).
Identifiers: ClinVar variation 1486510 (VCV001486510.9), dbSNP rs776479105, ClinGen allele CA7897060.